The following is an entry in ClinVar:

ClinVar aggregate classification (germline): Uncertain significance. Review status: criteria provided, multiple submitters, no conflicts (2 of 4 stars). 2 submissions from 2 submitters: Uncertain significance (2). Last evaluated 2026-01-28.

gnomAD v4.1: 56 of 1,614,098 alleles (0.0035%); highest among the groups gnomAD compares: Middle Eastern, 0.13%; 1 homozygote.

Submissions (2):

Labcorp Genetics (formerly Invitae), Labcorp
Classification: Uncertain significance. Last evaluated: 2026-01-28. Review status: criteria provided, single submitter. Criteria: Invitae Variant Classification Sherloc (09022015). Collection method: clinical testing. Allele origin: germline.
Comment: This sequence change replaces arginine, which is basic and polar, with cysteine, which is neutral and slightly polar, at codon 26 of the LZTS1 protein (p.Arg26Cys). This variant is present in population databases (rs371578422, gnomAD 0.005%). This variant has not been reported in the literature in individuals affected with LZTS1-related conditions. An algorithm developed to predict the effect of missense changes on protein structure and function (PolyPhen-2) suggests that this variant is likely to be disruptive. In summary, the available evidence is currently insufficient to determine the role of this variant in disease. Therefore, it has been classified as a Variant of Uncertain Significance.

Ambry Genetics
Classification: Uncertain significance. Last evaluated: 2025-10-28. Review status: criteria provided, single submitter. Criteria: Ambry Variant Classification Scheme 2023. Collection method: clinical testing. Allele origin: germline.

NM_021020.5(LZTS1):c.76C>T (p.Arg26Cys)

Gene: LZTS1 (leucine zipper tumor suppressor 1; minus strand). Cytogenetic location: 8p21.3.
Variant type: single nucleotide variant.
Coding change: c.76C>T on transcript NM_021020.5 (MANE Select); coding-DNA position 76, C replaced by T.
Protein change: p.Arg26Cys; replaces arginine 26 with cysteine.
Molecular consequence: missense variant.
Genome position (GRCh38, 1-based): chr8:20,255,106, G>A on the plus strand (C>T on the coding strand, the complement: LZTS1 is on the minus strand). VCF-style: chr8-20255106-G-A. GRCh37 (hg19) VCF-style: chr8-20112617-G-A.
Other names: c.76C>T, p.Arg26Cys (NM_001362884.2); short protein forms R26C.
Identifiers: ClinVar variation 4548716 (VCV004548716.2).
Genomic context (GRCh38, chr8:20,255,106, plus strand): 5'-AGCCAAACCTCAGCAGCCCGTCGGAATACCGGTTGAGCTTCTTGAGGTGGGAGGACTTGC[G>A]CAGCTTGTACTGCGAAGCCCGGCAGTGCTTGCTGTGGAAGCTGTGGCCGGAGATGAGGCT-3'
Protein context (NP_066300.1, residues 16-36): KHCRASQYKL[Arg26Cys]KSSHLKKLNR